The following is an entry in ClinVar:

NM_015602.4(TOR1AIP1):c.55G>A (p.Val19Ile)

Genes: TOR1AIP1 (torsin 1A interacting protein 1; plus strand), LOC112577517 (Sharpr-MPRA regulatory region 13766; plus strand). Cytogenetic location: 1q25.2.
Variant type: single nucleotide variant.
Coding change: c.55G>A on transcript NM_015602.4 (MANE Select); coding-DNA position 55, G replaced by A.
Protein change: p.Val19Ile; replaces valine 19 with isoleucine.
Molecular consequence: missense variant.
Genome position (GRCh38, 1-based): chr1:179,882,557, G>A. VCF-style: chr1-179882557-G-A. GRCh37 (hg19) VCF-style: chr1-179851692-G-A.
Other names: c.55G>A, p.Val19Ile (NM_001267578.2); c.55G>A (NM_001267578.1); short protein forms V19I.
Identifiers: ClinVar variation 1063183 (VCV001063183.4), dbSNP rs760887402, ClinGen allele CA1268633.

ClinVar aggregate classification (germline): Uncertain significance. Review status: criteria provided, multiple submitters, no conflicts (2 of 4 stars). 2 submissions from 2 submitters: Uncertain significance (2). Last evaluated 2026-04-02.

Conditions:
Autosomal recessive limb-girdle muscular dystrophy type 2Y (MRRSDC). Also called: Muscular dystrophy, autosomal recessive, with rigid spine and distal joint contractures; Muscular dystrophy, limb-girdle, type 2y. Identifiers: Orphanet 424261, MedGen C4511482, MONDO:0014900, OMIM 617072.

Allele frequency attached by ClinVar (database versions not stated): gnomAD 0.00005; TOPMed 0.00005; ExAC 0.00003.

Submissions (2):

GeneDx
Classification: Uncertain significance. Last evaluated: 2026-04-02. Review status: criteria provided, single submitter. Criteria: GeneDx Variant Classification Process June 2021. Collection method: clinical testing. Allele origin: germline.
Comment: Not observed at significant frequency in large population cohorts (gnomAD); In silico analysis suggests that this missense variant does not alter protein structure/function; Has not been previously published as pathogenic or benign to our knowledge

Labcorp Genetics (formerly Invitae), Labcorp
Classification: Uncertain significance for Autosomal recessive limb-girdle muscular dystrophy type 2Y. Last evaluated: 2022-02-03. Review status: criteria provided, single submitter. Criteria: Invitae Variant Classification Sherloc (09022015). Collection method: clinical testing. Allele origin: germline.
Comment: ClinVar contains an entry for this variant (Variation ID: 1063183). In summary, the available evidence is currently insufficient to determine the role of this variant in disease. Therefore, it has been classified as a Variant of Uncertain Significance. Algorithms developed to predict the effect of missense changes on protein structure and function are either unavailable or do not agree on the potential impact of this missense change (SIFT: "Deleterious"; PolyPhen-2: "Possibly Damaging"; Align-GVGD: "Class C0"). This variant has not been reported in the literature in individuals affected with TOR1AIP1-related conditions. This variant is not present in population databases (gnomAD no frequency). This sequence change replaces valine, which is neutral and non-polar, with isoleucine, which is neutral and non-polar, at codon 19 of the TOR1AIP1 protein (p.Val19Ile).